The following is an entry in ClinVar:

ClinVar aggregate classification (germline): Uncertain significance. Review status: criteria provided, multiple submitters, no conflicts (2 of 4 stars). 3 submissions from 3 submitters: Uncertain significance (3). Last evaluated 2025-07-15.

Conditions:
Isolated focal cortical dysplasia type II (FCORD2). Also called: CORTICAL DYSPLASIA OF TAYLOR; Focal cortical dysplasia type II. Identifiers: Orphanet 268994, MedGen C1846385, MONDO:0011818, OMIM 607341, HP:0032051.
Tuberous sclerosis syndrome (TSC). Also called: Tuberous Sclerosis Complex; Tuberous sclerosis. Identifiers: Orphanet 805, MedGen C0041341, MONDO:0001734.
Tuberous sclerosis 2 (TSC2). Identifiers: Orphanet 805, MedGen C1860707, MONDO:0013199, OMIM 613254.

Submissions (3):

Color Diagnostics, LLC DBA Color Health
Classification: Uncertain significance for Tuberous sclerosis syndrome. Last evaluated: 2025-07-15. Review status: criteria provided, single submitter. Criteria: ACMG Guidelines, 2015. Collection method: clinical testing. Allele origin: germline.
Comment: This missense variant replaces aspartic acid with asparagine at codon 499 of the TSC2 protein. Computational prediction suggests that this variant may not impact protein structure and function. To our knowledge, functional studies have not been reported for this variant. This variant has not been reported in individuals affected with TSC2-related disorders in the literature. This variant has not been identified in the general population by the Genome Aggregation Database (gnomAD). The available evidence is insufficient to determine the role of this variant in disease conclusively. Therefore, this variant is classified as a Variant of Uncertain Significance.

Labcorp Genetics (formerly Invitae), Labcorp
Classification: Uncertain significance for Tuberous sclerosis 2. Last evaluated: 2023-11-24. Review status: criteria provided, single submitter. Criteria: Invitae Variant Classification Sherloc (09022015). Collection method: clinical testing. Allele origin: germline.
Comment: This sequence change replaces aspartic acid, which is acidic and polar, with asparagine, which is neutral and polar, at codon 499 of the TSC2 protein (p.Asp499Asn). This variant is not present in population databases (gnomAD no frequency). This variant has not been reported in the literature in individuals affected with TSC2-related conditions. ClinVar contains an entry for this variant (Variation ID: 467877). Advanced modeling of protein sequence and biophysical properties (such as structural, functional, and spatial information, amino acid conservation, physicochemical variation, residue mobility, and thermodynamic stability) performed at Invitae indicates that this missense variant is not expected to disrupt TSC2 protein function with a negative predictive value of 95%. In summary, the available evidence is currently insufficient to determine the role of this variant in disease. Therefore, it has been classified as a Variant of Uncertain Significance.

Baylor Genetics
Classification: Uncertain significance for Isolated focal cortical dysplasia type II. Last evaluated: 2023-11-17. Review status: criteria provided, single submitter. Criteria: ACMG Guidelines, 2015. Collection method: clinical testing. Allele origin: unknown.

NM_000548.5(TSC2):c.1495G>A (p.Asp499Asn)

Gene: TSC2 (TSC complex subunit 2; plus strand). Cytogenetic location: 16p13.3.
Variant type: single nucleotide variant.
Coding change: c.1495G>A on transcript NM_000548.5 (MANE Select); coding-DNA position 1495, G replaced by A.
Protein change: p.Asp499Asn; replaces aspartic acid 499 with asparagine.
Molecular consequence: missense variant.
Genome position (GRCh38, 1-based): chr16:2,064,323, G>A. VCF-style: chr16-2064323-G-A. GRCh37 (hg19) VCF-style: chr16-2114324-G-A.
Other names: c.1495G>A, p.Asp499Asn (NM_001077183.3, NM_001114382.3, NM_001363528.2 and 3 more transcripts); c.1384G>A, p.Asp462Asn (NM_001318827.2); c.1348G>A, p.Asp450Asn (NM_001318829.2); c.895G>A, p.Asp299Asn (NM_001318831.2); c.1528G>A, p.Asp510Asn (NM_001318832.2); short protein forms D499N, D299N, D450N, D462N, D510N.
Identifiers: ClinVar variation 467877 (VCV000467877.10), dbSNP rs1555502438, ClinGen allele CA394325991.